The following is an entry in ClinVar:

NM_002303.6(LEPR):c.655G>A (p.Gly219Arg)

Gene: LEPR (leptin receptor; plus strand). Cytogenetic location: 1p31.3.
Variant type: single nucleotide variant.
Coding change: c.655G>A on transcript NM_002303.6 (MANE Select); coding-DNA position 655, G replaced by A.
Protein change: p.Gly219Arg; replaces glycine 219 with arginine.
Molecular consequence: missense variant.
Genome position (GRCh38, 1-based): chr1:65,592,817, G>A. VCF-style: chr1-65592817-G-A. GRCh37 (hg19) VCF-style: chr1-66058500-G-A.
Other names: c.655G>A, p.Gly219Arg (NM_001003679.3, NM_001003680.3, NM_001198687.2 and 2 more transcripts); short protein forms G219R.
Identifiers: ClinVar variation 4986195 (VCV004986195.1).

ClinVar aggregate classification (germline): Uncertain significance (1 of 4 stars; one submission).

Conditions:
LEPR-related disorder. Also called: LEPR-related disorders; LEPR-related condition.

gnomAD v4.1: 4 of 1,613,048 alleles (0.00025%); highest among the groups gnomAD compares: African/African-American, 0.0027%; no homozygotes.

Submission:

PreventionGenetics, part of Exact Sciences
Classification: Uncertain significance for LEPR-related condition. Last evaluated: 2025-04-02. Review status: criteria provided, single submitter. Criteria: ACMG Guidelines, 2015. Collection method: clinical testing. Allele origin: germline.
Comment: The LEPR c.655G>A variant is predicted to result in the amino acid substitution p.Gly219Arg. This variant was observed in a cohort of individuals with obesity, and in vitro functional studies showed function similar to wild-type levels (Supplemental Data Set, Shah et al. 2023. PubMed ID: 36864747). This variant is reported in 0.0062% of alleles in individuals of African descent in gnomAD. At this time, the clinical significance of this variant is uncertain due to the absence of conclusive functional and genetic evidence.